The following is an entry in ClinVar:

ClinVar aggregate classification (germline): Uncertain significance (1 of 4 stars; one submission).

Conditions:
Inborn genetic diseases. Identifiers: MedGen C0950123, MeSH D030342.

Submission:

Ambry Genetics
Classification: Uncertain significance for Inborn genetic diseases. Last evaluated: 2025-09-19. Review status: criteria provided, single submitter. Criteria: Ambry Variant Classification Scheme 2023. Collection method: clinical testing. Allele origin: germline.
Comment: The p.N461S variant (also known as c.1382A>G), located in coding exon 11 of the CEP57 gene, results from an A to G substitution at nucleotide position 1382. The asparagine at codon 461 is replaced by serine, an amino acid with highly similar properties. This amino acid position is conserved. In addition, this alteration is predicted to be tolerated by in silico analysis. Based on the available evidence, the clinical significance of this variant remains unclear.

NM_014679.5(CEP57):c.1382A>G (p.Asn461Ser)

Gene: CEP57 (centrosomal protein 57; plus strand). Cytogenetic location: 11q21.
Variant type: single nucleotide variant.
Coding change: c.1382A>G on transcript NM_014679.5 (MANE Select); coding-DNA position 1382, A replaced by G.
Protein change: p.Asn461Ser; replaces asparagine 461 with serine.
Molecular consequence: missense variant.
Genome position (GRCh38, 1-based): chr11:95,831,135, A>G. VCF-style: chr11-95831135-A-G. GRCh37 (hg19) VCF-style: chr11-95564299-A-G.
Other names: c.1187A>G, p.Asn396Ser (NM_001440876.1); c.1184A>G, p.Asn395Ser (NM_001440877.1, NM_001440878.1); c.1157A>G, p.Asn386Ser (NM_001440879.1); c.1121A>G, p.Asn374Ser (NM_001440880.1); c.1085A>G, p.Asn362Ser (NM_001440881.1); c.1079A>G, p.Asn360Ser (NM_001440882.1); c.1355A>G, p.Asn452Ser (NM_001243776.2); c.1304A>G, p.Asn435Ser (NM_001243777.2); and 6 more; short protein forms N398S, N461S, N396S, N399S, N425S, N434S, N435S, N360S.
Identifiers: ClinVar variation 4613455 (VCV004613455.1).
Genomic context (GRCh38, chr11:95,831,135, plus strand): 5'-AAAAGACTCTTGATGAAGAAAGAAACAGCAGCAGCCGTTCTGGAATCACAGGGACCACAA[A>G]TAAGAAAGATTTTATGAAACTGAGACCTGGAGAAAAAAGGAGAAAAAATCTTCAGTTATT-3'
Protein context (NP_055494.2, residues 451-471): SSRSGITGTT[Asn461Ser]KKDFMKLRPG